The following is an entry in ClinVar:

NM_017654.4(SAMD9):c.892A>G (p.Thr298Ala)

Gene: SAMD9 (sterile alpha motif domain containing 9; minus strand). Cytogenetic location: 7q21.2.
Variant type: single nucleotide variant.
Coding change: c.892A>G on transcript NM_017654.4 (MANE Select); coding-DNA position 892, A replaced by G.
Protein change: p.Thr298Ala; replaces threonine 298 with alanine.
Molecular consequence: missense variant.
Genome position (GRCh38, 1-based): chr7:93,105,206, T>C on the plus strand (A>G on the coding strand, the complement: SAMD9 is on the minus strand). VCF-style: chr7-93105206-T-C. GRCh37 (hg19) VCF-style: chr7-92734519-T-C.
Other names: c.892A>G, p.Thr298Ala (NM_001193307.2); short protein forms T298A.
Identifiers: ClinVar variation 2572664 (VCV002572664.2), dbSNP rs2535361704, ClinGen allele CA368203473.

ClinVar aggregate classification (germline): Uncertain significance. Review status: criteria provided, multiple submitters, no conflicts (2 of 4 stars). 2 submissions from 2 submitters: Uncertain significance (2). Last evaluated 2026-01-13.

Conditions:
Diffuse midline glioma, H3 K27-altered. Identifiers: MedGen C5669877, MONDO:1060171.
Inborn genetic diseases. Identifiers: MedGen C0950123, MeSH D030342.

Submissions (2):

Ambry Genetics
Classification: Uncertain significance for Inborn genetic diseases. Last evaluated: 2026-01-13. Review status: criteria provided, single submitter. Criteria: Ambry Variant Classification Scheme 2023. Collection method: clinical testing. Allele origin: germline.
Comment: The p.T298A variant (also known as c.892A>G), located in coding exon 1 of the SAMD9 gene, results from an A to G substitution at nucleotide position 892. The threonine at codon 298 is replaced by alanine, an amino acid with similar properties. This amino acid position is conserved. In addition, this alteration is predicted to be tolerated by in silico analysis. Based on the available evidence, the clinical significance of this variant remains unclear.

Laboratory of Medical Genetics Unit, Bambino Gesù Children's Hospital
Classification: Uncertain significance for Diffuse midline glioma, H3 K27-altered. Last evaluated: 2021-03-04. Review status: criteria provided, single submitter. Criteria: ACMG Guidelines, 2015. Collection method: research. Allele origin: germline. Affected: yes. Observed: 1 heterozygote.